The following is an entry in ClinVar:

NM_182919.4(TICAM1):c.1928C>G (p.Pro643Arg)

Gene: TICAM1 (TIR domain containing adaptor molecule 1; minus strand). Cytogenetic location: 19p13.3.
Variant type: single nucleotide variant.
Coding change: c.1928C>G on transcript NM_182919.4 (MANE Select); coding-DNA position 1928, C replaced by G.
Protein change: p.Pro643Arg; replaces proline 643 with arginine.
Molecular consequence: missense variant.
Genome position (GRCh38, 1-based): chr19:4,816,450, G>C on the plus strand (C>G on the coding strand, the complement: TICAM1 is on the minus strand). VCF-style: chr19-4816450-G-C. GRCh37 (hg19) VCF-style: chr19-4816462-G-C.
Other names: c.1886C>G, p.Pro629Arg (NM_001385678.1); c.1793C>G, p.Pro598Arg (NM_001385679.1); c.1286C>G, p.Pro429Arg (NM_001385680.1); short protein forms P598R, P629R, P429R, P643R.
Identifiers: ClinVar variation 2160358 (VCV002160358.1), dbSNP rs763771528, ClinGen allele CA9105032.

ClinVar aggregate classification (germline): Uncertain significance (1 of 4 stars; one submission).

Conditions:
Encephalopathy, acute, infection-induced (herpes-specific), susceptibility to, 6. Also called: Herpes simplex encephalitis, susceptibility to, 4. Identifiers: Orphanet 1930, MedGen C3553869, MONDO:0013921, OMIM 614850.

Allele frequency attached by ClinVar (database versions not stated): ExAC 0.00001; gnomAD exomes 0.00001.
gnomAD v4.1: 6 of 1,554,438 alleles (0.00039%); highest among the groups gnomAD compares: Admixed American, 0.0039%; no homozygotes.

Submission:

Labcorp Genetics (formerly Invitae), Labcorp
Classification: Uncertain significance for Encephalopathy, acute, infection-induced (herpes-specific), susceptibility to, 6. Last evaluated: 2022-08-23. Review status: criteria provided, single submitter. Criteria: Invitae Variant Classification Sherloc (09022015). Collection method: clinical testing. Allele origin: germline.
Comment: This sequence change replaces proline, which is neutral and non-polar, with arginine, which is basic and polar, at codon 643 of the TICAM1 protein (p.Pro643Arg). This variant is present in population databases (rs763771528, gnomAD 0.001%). This variant has not been reported in the literature in individuals affected with TICAM1-related conditions. Algorithms developed to predict the effect of missense changes on protein structure and function are either unavailable or do not agree on the potential impact of this missense change (SIFT: "Tolerated"; PolyPhen-2: "Possibly Damaging"; Align-GVGD: "Class C0"). In summary, the available evidence is currently insufficient to determine the role of this variant in disease. Therefore, it has been classified as a Variant of Uncertain Significance.